The following is an entry in ClinVar:

ClinVar aggregate classification (germline): Uncertain significance (1 of 4 stars; one submission).

Submission:

Labcorp Genetics (formerly Invitae), Labcorp
Classification: Uncertain significance. Last evaluated: 2021-05-05. Review status: criteria provided, single submitter. Criteria: Invitae Variant Classification Sherloc (09022015). Collection method: clinical testing. Allele origin: germline.
Comment: In summary, the available evidence is currently insufficient to determine the role of this variant in disease. Therefore, it has been classified as a Variant of Uncertain Significance. Algorithms developed to predict the effect of missense changes on protein structure and function (SIFT, PolyPhen-2, Align-GVGD) all suggest that this variant is likely to be disruptive, but these predictions have not been confirmed by published functional studies and their clinical significance is uncertain. This variant has not been reported in the literature in individuals with ADAMTS10-related conditions. This variant is not present in population databases (ExAC no frequency). This sequence change replaces valine with alanine at codon 636 of the ADAMTS10 protein (p.Val636Ala). The valine residue is highly conserved and there is a small physicochemical difference between valine and alanine.

NM_030957.4(ADAMTS10):c.1907T>C (p.Val636Ala)

Gene: ADAMTS10 (ADAM metallopeptidase with thrombospondin type 1 motif 10; minus strand). Cytogenetic location: 19p13.2.
Variant type: single nucleotide variant.
Coding change: c.1907T>C on transcript NM_030957.4 (MANE Select); coding-DNA position 1907, T replaced by C.
Protein change: p.Val636Ala; replaces valine 636 with alanine.
Molecular consequence: missense variant. On other transcripts: intron variant (1).
Genome position (GRCh38, 1-based): chr19:8,589,579, A>G on the plus strand (T>C on the coding strand, the complement: ADAMTS10 is on the minus strand). VCF-style: chr19-8589579-A-G. GRCh37 (hg19) VCF-style: chr19-8654463-A-G.
Other names: c.373-5T>C (NM_001282352.2); short protein forms V636A.
Identifiers: ClinVar variation 1348722 (VCV001348722.8), dbSNP rs2146055503, ClinGen allele CA403750970.